The following is an entry in ClinVar:

ClinVar aggregate classification (germline): Pathogenic/Likely pathogenic. Review status: criteria provided, multiple submitters, no conflicts (2 of 4 stars). 5 submissions from 5 submitters: Pathogenic (1); Likely pathogenic (2). 2 of the submissions do not count toward it. Last evaluated 2025-10-20.

Conditions:
MYCN-related disorder. Also called: MYCN-related condition.
Feingold syndrome. Identifiers: Orphanet 1305, MedGen C0796068, MONDO:0015267.
Feingold syndrome type 1 (FGLDS1). Also called: MICROCEPHALY AND DIGITAL ABNORMALITIES WITH NORMAL INTELLIGENCE; MICROCEPHALY, MENTAL RETARDATION, AND TRACHEOESOPHAGEAL FISTULA SYNDROME; MICROCEPHALY-OCULO-DIGITO-ESOPHAGEAL-DUODENAL SYNDROME; OCULODIGITOESOPHAGODUODENAL SYNDROME; ODED SYNDROME. Identifiers: Orphanet 1305, Orphanet 391641, MedGen C4551774, MONDO:0008115, OMIM 164280.

Submissions (5):

Institute of Human Genetics, University of Leipzig Medical Center
Classification: Pathogenic for Feingold syndrome type 1. Last evaluated: 2025-10-20. Review status: criteria provided, single submitter. Criteria: ACMG Guidelines, 2015. Collection method: clinical testing. Allele origin: unknown. Inheritance: Autosomal dominant inheritance. Affected: yes.
Comment: Criteria applied: PS4_MOD,PM1,PM2,PM5,PP2,PP3

PreventionGenetics, part of Exact Sciences
Classification: Likely pathogenic for MYCN-related condition. Last evaluated: 2025-02-22. Review status: criteria provided, single submitter. Criteria: ACMG Guidelines, 2015. Collection method: clinical testing. Allele origin: germline.
Comment: The MYCN c.1181G>A variant is predicted to result in the amino acid substitution p.Arg394His. This variant has been reported in multiple individuals with Feingold syndrome and been noted to segregate with the disorder in one family (Supplementary Figure 1, van Bokhoven et al. 2005. PubMed ID: 15821734; Marcelis et al. 2008. PubMed ID: 18470948; Tedesco et al. 2021. PubMed ID: 33442900). This variant is located within the HLH DNA-binding domain of the MYCN gene, which is predicted to be a critical region to protein function (Peleg et al. 2021. PubMed ID: 32925198). This variant has not been reported in a large population database (gnomAD), indicating this variant is rare. This variant is interpreted as likely pathogenic.

Clinical Genetics Laboratory, Skane University Hospital Lund
Classification: Likely pathogenic for Feingold syndrome. Last evaluated: 2025-02-17. Review status: criteria provided, single submitter. Criteria: ACMG Guidelines, 2015. Collection method: clinical testing. Allele origin: germline, maternal. Inheritance: Autosomal dominant inheritance. Affected: yes.
Comment: PS4, PM2, PP3

OMIM
Classification: Pathogenic for FEINGOLD SYNDROME 1. Last evaluated: 2005-05-01. Review status: no assertion criteria provided. Collection method: literature only. Allele origin: germline. Not counted in ClinVar's aggregate classification.

GeneReviews
No classification provided. Condition: Feingold syndrome type 1. Review status: no classification provided. Collection method: literature only. Allele origin: germline. Not counted in ClinVar's aggregate classification.

Literature cited by the submitters: PubMed 15821734 (cited by OMIM); PubMed 18470948 (cited by GeneReviews); PubMed 20301770 (cited by GeneReviews).

NM_005378.6(MYCN):c.1181G>A (p.Arg394His)

Gene: MYCN (MYCN proto-oncogene, bHLH transcription factor; plus strand). Cytogenetic location: 2p24.3.
Variant type: single nucleotide variant.
Coding change: c.1181G>A on transcript NM_005378.6 (MANE Select); coding-DNA position 1181, G replaced by A.
Protein change: p.Arg394His; replaces arginine 394 with histidine.
Molecular consequence: missense variant. On other transcripts: 3 prime UTR variant (1).
Genome position (GRCh38, 1-based): chr2:15,945,883, G>A. VCF-style: chr2-15945883-G-A. GRCh37 (hg19) VCF-style: chr2-16086005-G-A.
Other names: c.1181G>A, p.Arg394His (NM_001293228.2); c.548G>A, p.Arg183His (NM_001293231.2); c.*1116G>A (NM_001293233.2); c.1181G>A (NM_005378.5); short protein forms R394H, R183H.
Identifiers: ClinVar variation 13894 (VCV000013894.7), dbSNP rs104893648, ClinGen allele CA257013.
Genomic context (GRCh38, chr2:15,945,883, plus strand): 5'-ACTCTGACTCGGAGGACAGTGAGCGTCGCAGAAACCACAACATCCTGGAGCGCCAGCGCC[G>A]CAACGACCTTCGGTCCAGCTTTCTCACGCTCAGGGACCACGTGCCGGAGTTGGTAAAGAA-3'
Protein context (NP_005369.2, residues 384-404): RNHNILERQR[Arg394His]NDLRSSFLTL